The following is an entry in ClinVar:

ClinVar aggregate classification (germline): Pathogenic (1 of 4 stars; one submission).

Submission:

GeneDx
Classification: Pathogenic. Last evaluated: 2023-10-26. Review status: criteria provided, single submitter. Criteria: GeneDx Variant Classification Process June 2021. Collection method: clinical testing. Allele origin: germline. Affected: yes.
Comment: Not observed at significant frequency in large population cohorts (gnomAD); In silico analysis supports that this missense variant has a deleterious effect on protein structure/function; Has not been previously published as pathogenic or benign to our knowledge

NM_006218.4(PIK3CA):c.1798G>A (p.Glu600Lys)

Gene: PIK3CA (phosphatidylinositol-4,5-bisphosphate 3-kinase catalytic subunit alpha; plus strand). Cytogenetic location: 3q26.32.
Variant type: single nucleotide variant.
Coding change: c.1798G>A on transcript NM_006218.4 (MANE Select); coding-DNA position 1798, G replaced by A.
Protein change: p.Glu600Lys; replaces glutamic acid 600 with lysine.
Molecular consequence: missense variant.
Genome position (GRCh38, 1-based): chr3:179,219,622, G>A. VCF-style: chr3-179219622-G-A. GRCh37 (hg19) VCF-style: chr3-178937410-G-A.
Other names: short protein forms E600K.
Identifiers: ClinVar variation 2662642 (VCV002662642.1), dbSNP rs2108410808, ClinGen allele CA355266149.
Genomic context (GRCh38, chr3:179,219,622, plus strand): 5'-CATACACAGATGTATTGCTTGGTAAAAGATTGGCCTCCAATCAAACCTGAACAGGCTATG[G>A]AACTTCTGGACTGTAATTACCCAGATCCTATGGTTCGAGGTTTTGCTGTTCGGTGCTTGG-3'
Protein context (NP_006209.2, residues 590-610): WPPIKPEQAM[Glu600Lys]LLDCNYPDPM